The following is an entry in ClinVar:

ClinVar aggregate classification (germline): Uncertain significance (1 of 4 stars; one submission).

Conditions:
STING-associated vasculopathy with onset in infancy. Also called: Sting-associated vasculopathy, infantile-onset. Identifiers: Orphanet 425120, MedGen C4014722, MONDO:0014405, OMIM 615934.

Allele frequency attached by ClinVar (database versions not stated): gnomAD exomes below 0.00001.

Submission:

Labcorp Genetics (formerly Invitae), Labcorp
Classification: Uncertain significance for STING-associated vasculopathy with onset in infancy. Last evaluated: 2022-07-19. Review status: criteria provided, single submitter. Criteria: Invitae Variant Classification Sherloc (09022015). Collection method: clinical testing. Allele origin: germline.
Comment: Algorithms developed to predict the effect of missense changes on protein structure and function are either unavailable or do not agree on the potential impact of this missense change (SIFT: "Tolerated"; PolyPhen-2: "Possibly Damaging"; Align-GVGD: "Class C0"). This variant has not been reported in the literature in individuals affected with TMEM173-related conditions. This variant is not present in population databases (gnomAD no frequency). This sequence change replaces tyrosine, which is neutral and polar, with serine, which is neutral and polar, at codon 182 of the TMEM173 protein (p.Tyr182Ser). In summary, the available evidence is currently insufficient to determine the role of this variant in disease. Therefore, it has been classified as a Variant of Uncertain Significance.

NM_198282.4(STING1):c.545A>C (p.Tyr182Ser)

Gene: STING1 (stimulator of interferon response cGAMP interactor 1; minus strand). Cytogenetic location: 5q31.2.
Variant type: single nucleotide variant.
Coding change: c.545A>C on transcript NM_198282.4 (MANE Select); coding-DNA position 545, A replaced by C.
Protein change: p.Tyr182Ser; replaces tyrosine 182 with serine.
Molecular consequence: missense variant.
Genome position (GRCh38, 1-based): chr5:139,478,484, T>G on the plus strand (A>C on the coding strand, the complement: STING1 is on the minus strand). VCF-style: chr5-139478484-T-G. GRCh37 (hg19) VCF-style: chr5-138858069-T-G.
Other names: c.545A>C, p.Tyr182Ser (NM_001301738.2); c.188A>C, p.Tyr63Ser (NM_001367258.1); short protein forms Y182S, Y63S.
Identifiers: ClinVar variation 2018160 (VCV002018160.4), dbSNP rs2547063153, ClinGen allele CA361480315.
Genomic context (GRCh38, chr5:139,478,484, plus strand): 5'-AGGAGAATATACAGCCGCTGGCTCACTGCACCCCGTAGCAGGTTGTTGTAATGCTGATTG[T>G]AAGTTCGAATCCGGGCCTGGAGCTCTGAGGCAGGGAAGCCCAAGAAGTTATTCCTGCTAA-3'
Protein context (NP_938023.1, residues 172-192): LPELQARIRT[Tyr182Ser]NQHYNNLLRG